The following is an entry in ClinVar:

NM_000384.3(APOB):c.13105G>A (p.Glu4369Lys)

Gene: APOB (apolipoprotein B; minus strand). Cytogenetic location: 2p24.1.
Variant type: single nucleotide variant.
Coding change: c.13105G>A on transcript NM_000384.3 (MANE Select); coding-DNA position 13105, G replaced by A.
Protein change: p.Glu4369Lys; replaces glutamic acid 4369 with lysine.
Molecular consequence: missense variant.
Genome position (GRCh38, 1-based): chr2:21,002,317, C>T on the plus strand (G>A on the coding strand, the complement: APOB is on the minus strand). VCF-style: chr2-21002317-C-T. GRCh37 (hg19) VCF-style: chr2-21225189-C-T.
Other names: short protein forms E4369K.
Identifiers: ClinVar variation 5027904 (VCV005027904.1).
Genomic context (GRCh38, chr2:21,002,317, plus strand): 5'-AATATTCTTCACGAAGGGCCATAATGTATTGATGGATCTGCTGTAACTCTTGAGAAGCTT[C>T]CTGAAGCTCGTTTTGAATAAATTCATTGAACTTATGAAGATTAAGGCATAGGTTTTCTTT-3'
Protein context (NP_000375.3, residues 4359-4379): FNEFIQNELQ[Glu4369Lys]ASQELQQIHQ

ClinVar aggregate classification (germline): Uncertain significance (1 of 4 stars; one submission).

Conditions:
Cardiovascular phenotype. Identifiers: MedGen CN230736.

gnomAD v4.1: 4 of 1,613,092 alleles (0.00025%); highest among the groups gnomAD compares: Non-Finnish European, 0.00034%; no homozygotes.

Submission:

Ambry Genetics
Classification: Uncertain significance for Cardiovascular phenotype. Last evaluated: 2026-08-16. Review status: criteria provided, single submitter. Criteria: Ambry Variant Classification Scheme 2023. Collection method: clinical testing. Allele origin: germline.
Comment: The p.E4369K variant (also known as c.13105G>A), located in coding exon 29 of the APOB gene, results from a G to A substitution at nucleotide position 13105. The glutamic acid at codon 4369 is replaced by lysine, an amino acid with similar properties. This amino acid position is conserved. In addition, this alteration is predicted to be tolerated by in silico analysis. Based on the available evidence, the clinical significance of this variant remains unclear.